The following is an entry in ClinVar:

NM_174878.3(CLRN1):c.6A>C (p.Pro2=)

Genes: CLRN1 (clarin 1; minus strand), CLRN1-AS1 (CLRN1 antisense RNA 1; plus strand). Cytogenetic location: 3q25.1.
Variant type: single nucleotide variant.
Coding change: c.6A>C on transcript NM_174878.3 (MANE Select); coding-DNA position 6, A replaced by C.
Protein change: p.Pro2=; no amino-acid change (proline 2 retained).
Molecular consequence: synonymous variant. On other transcripts: non-coding transcript variant (2).
Genome position (GRCh38, 1-based): chr3:150,972,703, T>G on the plus strand (A>C on the coding strand, the complement: CLRN1 is on the minus strand). VCF-style: chr3-150972703-T-G. GRCh37 (hg19) VCF-style: chr3-150690490-T-G.
Other names: p.P2P:CCA>CCC; c.6A>C, p.Pro2= (NM_001195794.1, NM_001256819.2).
Identifiers: ClinVar variation 48148 (VCV000048148.19), dbSNP rs111033422, ClinGen allele CA142699.

ClinVar aggregate classification (germline): Benign. Review status: criteria provided, multiple submitters, no conflicts (2 of 4 stars). 8 submissions from 8 submitters: Benign (5). 3 of the submissions do not count toward it. Last evaluated 2026-02-04.

Conditions:
Usher syndrome type 3A (USH3A). Also called: USHER SYNDROME, TYPE IIIA. Identifiers: MedGen C5779850, MONDO:0010170, OMIM 276902.
Usher syndrome type 3. Also called: Usher Syndrome, Type III. Identifiers: Orphanet 231183, MedGen C1568248, MONDO:0016485.

Allele frequency attached by ClinVar (database versions not stated): gnomAD exomes 0.01322 and 0.00546; gnomAD 0.03692 and 0.03830; TOPMed 0.04071; ExAC 0.01601; 1000 Genomes Project 30x 0.04575; ESP Exome Variant Server 0.04375; 1000 Genomes Project 0.04413.
gnomAD v4.1: 13,887 of 1,614,180 alleles (0.86%); highest among the groups gnomAD compares: African/African-American, 13%; 665 homozygotes.

Submissions (8):

Labcorp Genetics (formerly Invitae), Labcorp
Classification: Benign. Last evaluated: 2026-02-04. Review status: criteria provided, single submitter. Criteria: Invitae Variant Classification Sherloc (09022015). Collection method: clinical testing. Allele origin: germline.

Illumina Laboratory Services, Illumina
Classification: Benign for Usher syndrome type 3A. Last evaluated: 2018-01-13. Review status: criteria provided, single submitter. Criteria: ICSL Variant Classification Criteria 13 December 2019. Collection method: clinical testing. Allele origin: germline.
Comment: This variant was observed in the ICSL laboratory as part of a predisposition screen in an ostensibly healthy population. It had not been previously curated by ICSL or reported in the Human Gene Mutation Database (HGMD: prior to June 1st, 2018), and was therefore a candidate for classification through an automated scoring system. Utilizing variant allele frequency, disease prevalence and penetrance estimates, and inheritance mode, an automated score was calculated to assess if this variant is too frequent to cause the disease. Based on the score and internal cut-off values, a variant classified as benign is not then subjected to further curation. The score for this variant resulted in a classification of benign for this disease.

GeneDx
Classification: Benign. Last evaluated: 2013-04-30. Review status: criteria provided, single submitter. Criteria: GeneDx Variant Classification (06012015). Collection method: clinical testing. Allele origin: germline. Affected: yes.
Comment: This variant is considered likely benign or benign based on one or more of the following criteria: it is a conservative change, it occurs at a poorly conserved position in the protein, it is predicted to be benign by multiple in silico algorithms, and/or has population frequency not consistent with disease.

Laboratory for Molecular Medicine, Mass General Brigham Personalized Medicine
Classification: Benign. Last evaluated: 2011-06-09. Review status: criteria provided, single submitter. Criteria: LMM Criteria. Collection method: clinical testing. Allele origin: germline. Observed: 71 variant alleles.
Comment: Pro2Pro in exon 1 of CLRN1: This variant is predicted to be benign based on its high frequency in the general population (dbSNP rs111033422).

Breakthrough Genomics
Classification: Benign. Review status: criteria provided, single submitter. Criteria: ACMG Guidelines, 2015. Collection method: not provided. Allele origin: germline. Inheritance: Autosomal recessive inheritance. Affected: yes.

Natera, Inc.
Classification: Benign for Usher syndrome type 3A. Last evaluated: 2020-09-16. Review status: no assertion criteria provided. Collection method: clinical testing. Allele origin: germline. Not counted in ClinVar's aggregate classification.

Counsyl
Classification: Benign for Usher syndrome type 3A. Last evaluated: 2018-01-19. Review status: no assertion criteria provided. Collection method: clinical testing. Allele origin: unknown. Not counted in ClinVar's aggregate classification.

NEI Ophthalmic Genomics Laboratory, National Institutes of Health
No classification provided. Review status: no classification provided. Collection method: not provided. Allele origin: not provided. Not counted in ClinVar's aggregate classification.

Literature cited by the submitters: PubMed 22135276 (cited by Counsyl).